The following is an entry in ClinVar:

NM_017721.5(CC2D1A):c.2528G>A (p.Arg843Gln)

Gene: CC2D1A (coiled-coil and C2 domain containing 1A; plus strand). Cytogenetic location: 19p13.12.
Variant type: single nucleotide variant.
Coding change: c.2528G>A on transcript NM_017721.5 (MANE Select); coding-DNA position 2528, G replaced by A.
Protein change: p.Arg843Gln; replaces arginine 843 with glutamine.
Molecular consequence: missense variant.
Genome position (GRCh38, 1-based): chr19:13,929,387, G>A. VCF-style: chr19-13929387-G-A. GRCh37 (hg19) VCF-style: chr19-14040200-G-A.
Other names: c.2525G>A, p.Arg842Gln (NM_001411138.1); short protein forms R842Q, R843Q.
Identifiers: ClinVar variation 1710551 (VCV001710551.3), dbSNP rs757026777, ClinGen allele CA9245131.

ClinVar aggregate classification (germline): Uncertain significance. Review status: criteria provided, multiple submitters, no conflicts (2 of 4 stars). 2 submissions from 2 submitters: Uncertain significance (2). Last evaluated 2024-08-21.

Conditions:
Inborn genetic diseases. Identifiers: MedGen C0950123, MeSH D030342.

gnomAD v4.1: 25 of 1,613,516 alleles (0.0015%); highest among the groups gnomAD compares: Admixed American, 0.0067%; no homozygotes.

Submissions (2):

Ambry Genetics
Classification: Uncertain significance for Inborn genetic diseases. Last evaluated: 2024-08-21. Review status: criteria provided, single submitter. Criteria: Ambry Variant Classification Scheme 2023. Collection method: clinical testing. Allele origin: germline.

GeneDx
Classification: Uncertain significance. Last evaluated: 2022-04-12. Review status: criteria provided, single submitter. Criteria: GeneDx Variant Classification Process June 2021. Collection method: clinical testing. Allele origin: germline. Affected: yes.
Comment: In silico analysis supports that this missense variant does not alter protein structure/function; Has not been previously published as pathogenic or benign to our knowledge